The following is an entry in ClinVar:

NM_004006.3(DMD):c.3239A>G (p.Asp1080Gly)

Gene: DMD (dystrophin; minus strand). Cytogenetic location: Xp21.1.
Variant type: single nucleotide variant.
Coding change: c.3239A>G on transcript NM_004006.3 (MANE Select); coding-DNA position 3239, A replaced by G.
Protein change: p.Asp1080Gly; replaces aspartic acid 1080 with glycine.
Molecular consequence: missense variant.
Genome position (GRCh38, 1-based): chrX:32,464,623, T>C on the plus strand (A>G on the coding strand, the complement: DMD is on the minus strand). VCF-style: chrX-32464623-T-C. GRCh37 (hg19) VCF-style: chrX-32482740-T-C.
Other names: c.3215A>G, p.Asp1072Gly (NM_000109.4); c.3227A>G, p.Asp1076Gly (NM_004009.3); c.2870A>G, p.Asp957Gly (NM_004010.3); short protein forms D1080G, D1072G, D1076G, D957G.
Identifiers: ClinVar variation 286828 (VCV000286828.16), dbSNP rs886043493, ClinGen allele CA10605583.

ClinVar aggregate classification (germline): Conflicting classifications of pathogenicity. Review status: criteria provided, conflicting classifications (1 of 4 stars). 6 submissions from 6 submitters: Uncertain significance (4); Likely benign (1). 1 of the submissions does not count toward it. Last evaluated 2025-07-13.

Conditions:
Cardiovascular phenotype. Identifiers: MedGen CN230736.
Cardiomyopathy (CMYO). Also called: Cardiomyopathies. Identifiers: Orphanet 167848, MedGen C0878544, MONDO:0004994, HP:0001638. Inheritance: Various modes of inheritance.
Becker muscular dystrophy (BMD). Also called: MUSCULAR DYSTROPHY, PSEUDOHYPERTROPHIC PROGRESSIVE, BECKER TYPE; Becker Muscular Dystrophy (BMD). Identifiers: Orphanet 98895, MedGen C0917713, MONDO:0010311, OMIM 300376.
Duchenne muscular dystrophy (DMD). Also called: Duchenne Muscular Dystrophy (DMD); MUSCULAR DYSTROPHY, PSEUDOHYPERTROPHIC PROGRESSIVE, DUCHENNE TYPE. Identifiers: Orphanet 98896, MedGen C0013264, MONDO:0010679, OMIM 310200.
Dystrophin deficiency.

Allele frequency attached by ClinVar (database versions not stated): gnomAD exomes below 0.00001; gnomAD 0.00001; TOPMed 0.00002.
gnomAD v4.1: 6 of 1,208,622 alleles (0.0005%); highest among the groups gnomAD compares: Non-Finnish European, 0.00067%; no homozygotes.

Submissions (6):

Labcorp Genetics (formerly Invitae), Labcorp
Classification: Likely benign for Duchenne muscular dystrophy. Last evaluated: 2025-07-13. Review status: criteria provided, single submitter. Criteria: Invitae Variant Classification Sherloc (09022015). Collection method: clinical testing. Allele origin: germline.

Revvity Omics, Revvity
Classification: Uncertain significance. Last evaluated: 2022-12-21. Review status: criteria provided, single submitter. Criteria: ACMG Guidelines, 2015. Collection method: clinical testing. Allele origin: germline.

Ambry Genetics
Classification: Uncertain significance for Cardiovascular phenotype. Last evaluated: 2021-10-28. Review status: criteria provided, single submitter. Criteria: Ambry Variant Classification Scheme 2023. Collection method: clinical testing. Allele origin: germline.
Comment: The p.D1080G variant (also known as c.3239A>G), located in coding exon 24 of the DMD gene, results from an A to G substitution at nucleotide position 3239. The aspartic acid at codon 1080 is replaced by glycine, an amino acid with similar properties. This amino acid position is highly conserved in available vertebrate species. In addition, the in silico prediction for this alteration is inconclusive. Since supporting evidence is limited at this time, the clinical significance of this alteration remains unclear.

Athena Diagnostics
Classification: Uncertain significance. Last evaluated: 2017-11-21. Review status: criteria provided, single submitter. Criteria: Athena Diagnostics Criteria. Collection method: clinical testing. Allele origin: germline.

Eurofins Ntd Llc (ga)
Classification: Uncertain significance. Last evaluated: 2016-03-17. Review status: criteria provided, single submitter. Criteria: EGL Classification Definitions 2015. Collection method: clinical testing. Allele origin: germline. Observed: 2 variant alleles, 1 heterozygote, 1 hemizygote.

Natera, Inc.
Classification: Uncertain significance for Becker muscular dystrophy; Cardiomyopathy; Duchenne muscular dystrophy; Dystrophin deficiency. Last evaluated: 2018-06-26. Review status: no assertion criteria provided. Collection method: clinical testing. Allele origin: germline. Not counted in ClinVar's aggregate classification.